The following is an entry in ClinVar:

NM_001672.3(ASIP):c.227A>C (p.Glu76Ala)

Genes: AHCY (adenosylhomocysteinase; minus strand), ASIP (agouti signaling protein; plus strand). Cytogenetic location: 20q11.22.
Variant type: single nucleotide variant.
Coding change: c.227A>C on transcript NM_001672.3 (MANE Select); coding-DNA position 227, A replaced by C.
Protein change: p.Glu76Ala; replaces glutamic acid 76 with alanine.
Molecular consequence: missense variant.
Genome position (GRCh38, 1-based): chr20:34,268,995, A>C. VCF-style: chr20-34268995-A-C. GRCh37 (hg19) VCF-style: chr20-32856801-A-C.
Other names: c.227A>C, p.Glu76Ala (NM_001385218.1); short protein forms E76A.
Identifiers: ClinVar variation 4986983 (VCV004986983.1).
Genomic context (GRCh38, chr20:34,268,995, plus strand): 5'-GAGGACCGGAGGGGTGGGCGTGGCCGGCTCATAAAGCCCCGGCGTTTCCCACGCAGAAGG[A>C]GGCTTCGATGAAGAAAGTGGTGCGGCCCCGGACCCCCCTATCTGCGCCCTGCGTGGCCAC-3'
Protein context (NP_001663.2, residues 66-86): AAEKKRSSKK[Glu76Ala]ASMKKVVRPR

ClinVar aggregate classification (germline): Uncertain significance (1 of 4 stars; one submission).

Conditions:
ASIP-related condition.

gnomAD v4.1: 1 of 1,604,602 alleles (0.000062%); highest among the groups gnomAD compares: South Asian, 0.0011%; no homozygotes.

Submission:

PreventionGenetics, part of Exact Sciences
Classification: Uncertain significance for ASIP-related condition. Last evaluated: 2026-07-29. Review status: criteria provided, single submitter. Criteria: ACMG Guidelines, 2015. Collection method: clinical testing. Allele origin: germline.
Comment: The ASIP c.227A>C variant is predicted to result in the amino acid substitution p.Glu76Ala. To our knowledge, this variant has not been reported in the literature. This variant is reported in 0.0035% of alleles in individuals of South Asian descent in gnomAD. At this time, the clinical significance of this variant is uncertain due to the absence of conclusive functional and genetic evidence.